The following is an entry in ClinVar:

NM_001081.4(CUBN):c.3230G>A (p.Arg1077Gln)

Gene: CUBN (cubilin; minus strand). Cytogenetic location: 10p13.
Variant type: single nucleotide variant.
Coding change: c.3230G>A on transcript NM_001081.4 (MANE Select); coding-DNA position 3230, G replaced by A.
Protein change: p.Arg1077Gln; replaces arginine 1077 with glutamine.
Molecular consequence: missense variant.
Genome position (GRCh38, 1-based): chr10:17,047,513, C>T on the plus strand (G>A on the coding strand, the complement: CUBN is on the minus strand). VCF-style: chr10-17047513-C-T. GRCh37 (hg19) VCF-style: chr10-17089512-C-T.
Other names: short protein forms R1077Q.
Identifiers: ClinVar variation 949666 (VCV000949666.11), dbSNP rs184585798, ClinGen allele CA5424723.

ClinVar aggregate classification (germline): Uncertain significance. Review status: criteria provided, multiple submitters, no conflicts (2 of 4 stars). 3 submissions from 3 submitters: Uncertain significance (3). Last evaluated 2024-04-04.

Conditions:
Imerslund-Grasbeck syndrome. Also called: ENTEROCYTE COBALAMIN MALABSORPTION; ENTEROCYTE INTRINSIC FACTOR RECEPTOR, DEFECT OF; Imerslund-Gräsbeck syndrome; Megaloblastic anemia due to inborn errors of metabolism; PERNICIOUS ANEMIA, JUVENILE, DUE TO SELECTIVE INTESTINAL MALABSORPTION OF VITAMIN B12, WITH PROTEINURIA. Identifiers: Orphanet 35858, MedGen C4551825, MONDO:0009853.
Inborn genetic diseases. Identifiers: MedGen C0950123, MeSH D030342.
Proteinuria, chronic benign. Identifiers: MedGen C5394384, MONDO:0030042, OMIM 618884.
Imerslund-Grasbeck syndrome type 1 (IGS1). Also called: Megaloblastic anemia 1, Finnish type; Imerslund-Gräsbeck syndrome 1; MEGALOBLASTIC ANEMIA, 1. Identifiers: MedGen C4016819, MONDO:0100156, OMIM 261100.

Allele frequency attached by ClinVar (database versions not stated): ESP Exome Variant Server 0.00031; TOPMed 0.00042; 1000 Genomes Project 0.00060; gnomAD exomes 0.00004; 1000 Genomes Project 30x 0.00047.
gnomAD v4.1: 121 of 1,613,702 alleles (0.0075%); highest among the groups gnomAD compares: African/African-American, 0.13%; no homozygotes.

Submissions (3):

Fulgent Genetics
Classification: Uncertain significance for Imerslund-Grasbeck syndrome type 1; Proteinuria, chronic benign. Last evaluated: 2024-04-04. Review status: criteria provided, single submitter. Criteria: ACMG Guidelines, 2015. Collection method: clinical testing. Allele origin: germline.

Labcorp Genetics (formerly Invitae), Labcorp
Classification: Uncertain significance for Imerslund-Grasbeck syndrome. Last evaluated: 2022-07-15. Review status: criteria provided, single submitter. Criteria: Invitae Variant Classification Sherloc (09022015). Collection method: clinical testing. Allele origin: germline.
Comment: Algorithms developed to predict the effect of sequence changes on RNA splicing suggest that this variant may create or strengthen a splice site. This sequence change replaces arginine, which is basic and polar, with glutamine, which is neutral and polar, at codon 1077 of the CUBN protein (p.Arg1077Gln). This variant is present in population databases (rs184585798, gnomAD 0.1%). This variant has not been reported in the literature in individuals affected with CUBN-related conditions. ClinVar contains an entry for this variant (Variation ID: 949666). Algorithms developed to predict the effect of missense changes on protein structure and function are either unavailable or do not agree on the potential impact of this missense change (SIFT: "Tolerated"; PolyPhen-2: "Possibly Damaging"; Align-GVGD: "Class C0"). In summary, the available evidence is currently insufficient to determine the role of this variant in disease. Therefore, it has been classified as a Variant of Uncertain Significance.

Ambry Genetics
Classification: Uncertain significance for Inborn genetic diseases. Last evaluated: 2021-10-20. Review status: criteria provided, single submitter. Criteria: Ambry Variant Classification Scheme 2023. Collection method: clinical testing. Allele origin: germline.